The following is an entry in ClinVar:

NM_000264.5(PTCH1):c.1605C>G (p.Asp535Glu)

Gene: PTCH1 (patched 1; minus strand). Cytogenetic location: 9q22.32.
Variant type: single nucleotide variant.
Coding change: c.1605C>G on transcript NM_000264.5 (MANE Select); coding-DNA position 1605, C replaced by G.
Protein change: p.Asp535Glu; replaces aspartic acid 535 with glutamic acid.
Molecular consequence: missense variant. On other transcripts: non-coding transcript variant (1).
Genome position (GRCh38, 1-based): chr9:95,476,157, G>C on the plus strand (C>G on the coding strand, the complement: PTCH1 is on the minus strand). VCF-style: chr9-95476157-G-C. GRCh37 (hg19) VCF-style: chr9-98238439-G-C.
Other names: c.1152C>G, p.Asp384Glu (NM_001083607.3, NM_001083604.3, NM_001083605.3 and 1 more transcripts); c.1449C>G, p.Asp483Glu (NM_001354918.2); c.1407C>G, p.Asp469Glu (NM_001083602.3); c.1602C>G, p.Asp534Glu (NM_001083603.3); short protein forms D534E, D469E, D483E, D384E, D535E.
Identifiers: ClinVar variation 2070911 (VCV002070911.5), dbSNP rs1588596835, ClinGen allele CA374118123.

ClinVar aggregate classification (germline): Uncertain significance. Review status: criteria provided, multiple submitters, no conflicts (2 of 4 stars). 2 submissions from 2 submitters: Uncertain significance (2). Last evaluated 2024-01-16.

Conditions:
Hereditary cancer-predisposing syndrome. Also called: Tumor predisposition; Hereditary Cancer Syndrome; Hereditary neoplastic syndrome; Neoplastic Syndromes, Hereditary. Identifiers: Orphanet 140162, MedGen C0027672, MeSH D009386, MONDO:0015356.
Gorlin syndrome. Also called: Basal cell nevus syndrome; Nevoid Basal Cell Carcinoma Syndrome. Identifiers: Orphanet 377, MedGen C0004779, MONDO:0007187.

Submissions (2):

Ambry Genetics
Classification: Uncertain significance for Hereditary cancer-predisposing syndrome. Last evaluated: 2024-01-16. Review status: criteria provided, single submitter. Criteria: Ambry Variant Classification Scheme 2023. Collection method: clinical testing. Allele origin: germline.
Comment: The p.D535E variant (also known as c.1605C>G), located in coding exon 12 of the PTCH1 gene, results from a C to G substitution at nucleotide position 1605. The aspartic acid at codon 535 is replaced by glutamic acid, an amino acid with highly similar properties. This amino acid position is highly conserved in available vertebrate species. In addition, this alteration is predicted to be tolerated by in silico analysis. Since supporting evidence is limited at this time, the clinical significance of this alteration remains unclear.

Labcorp Genetics (formerly Invitae), Labcorp
Classification: Uncertain significance for Gorlin syndrome. Last evaluated: 2021-12-23. Review status: criteria provided, single submitter. Criteria: Invitae Variant Classification Sherloc (09022015). Collection method: clinical testing. Allele origin: germline.
Comment: In summary, the available evidence is currently insufficient to determine the role of this variant in disease. Therefore, it has been classified as a Variant of Uncertain Significance. Algorithms developed to predict the effect of missense changes on protein structure and function (SIFT, PolyPhen-2, Align-GVGD) all suggest that this variant is likely to be tolerated. This variant has not been reported in the literature in individuals affected with PTCH1-related conditions. This variant is not present in population databases (gnomAD no frequency). This sequence change replaces aspartic acid, which is acidic and polar, with glutamic acid, which is acidic and polar, at codon 535 of the PTCH1 protein (p.Asp535Glu).